The following is an entry in ClinVar:

NM_002016.2(FLG):c.8117C>G (p.Ser2706Ter)

Genes: CCDST (cervical cancer associated DHX9 suppressive transcript; plus strand), FLG (filaggrin; minus strand). Cytogenetic location: 1q21.3.
Variant type: single nucleotide variant.
Coding change: c.8117C>G on transcript NM_002016.2 (MANE Select); coding-DNA position 8117, C replaced by G.
Protein change: p.Ser2706Ter; replaces serine 2706 with a stop codon.
Molecular consequence: nonsense.
Genome position (GRCh38, 1-based): chr1:152,306,769, G>C on the plus strand (C>G on the coding strand, the complement: FLG is on the minus strand). VCF-style: chr1-152306769-G-C. GRCh37 (hg19) VCF-style: chr1-152279245-G-C.
Other names: short protein forms S2706*.
Identifiers: ClinVar variation 545968 (VCV000545968.15), dbSNP rs542799026, ClinGen allele CA1104427.

ClinVar aggregate classification (germline): Pathogenic. Review status: criteria provided, multiple submitters, no conflicts (2 of 4 stars). 6 submissions from 6 submitters: Pathogenic (6). Last evaluated 2025-09-01.

Conditions:
Ichthyosis vulgaris. Also called: ICHTHYOSIS SIMPLEX; Dominant ichthyosis vulgaris. Identifiers: MedGen C0079584, MONDO:0024304, OMIM 146700.
Autosomal dominant and autosomal recessive FLG-related disorders.
FLG-related disorder. Also called: FLG-related disorders; FLG-related condition.
Dermatitis, atopic, 2. Identifiers: MedGen C1853965, MONDO:0011596, OMIM 605803.

Allele frequency attached by ClinVar (database versions not stated): gnomAD 0.00003; gnomAD exomes 0.00022; ExAC 0.00025; 1000 Genomes Project 0.00040.

Submissions (6):

GeneDx
Classification: Pathogenic. Last evaluated: 2025-09-01. Review status: criteria provided, single submitter. Criteria: GeneDx Variant Classification Process June 2021. Collection method: clinical testing. Allele origin: germline. Affected: yes.
Comment: Identified in individuals with either ichthyosis vulgaris or atopic dermatitis (PMID: 21039602, 21428977, 23290076); Nonsense variant predicted to result in protein truncation, as the last 1356 amino acid(s) are lost, and other loss-of-function variants have been reported downstream in HGMD; This variant is associated with the following publications: (PMID: 23744309, 23290076, 21428977, 21326297, 36735214, 21039602, 16444271)

Variantyx, Inc.
Classification: Pathogenic for Autosomal dominant and autosomal recessive FLG-related disorders. Last evaluated: 2025-05-28. Review status: criteria provided, single submitter. Criteria: Variantyx Assertion Criteria 2022. Collection method: clinical testing. Allele origin: germline. Inheritance: Semidominant inheritance. Affected: yes.
Comment: This is a nonsense variant in the FLG gene (OMIM: 135940). Pathogenic variants in this gene have been associated with autosomal semidominant ichthyosis vulgaris. This variant introduces a premature termination codon in exon three out of three and is expected to result in loss of function, which is a known disease mechanism for FLG in this disorder (PMID: 23290076) (PVS1). This variant has been reported in one unrelated affected individual (PMID: 23290076) (PS4_suppporting). It has a 0.1554% maximum allele frequency in non-founder control populations (PM2). Based on the current evidence, this variant is classified as pathogenic for autosomal semiominant ichthyosis vulgaris.

Blueprint Genetics
Classification: Pathogenic for FLG-related disorders. Last evaluated: 2024-09-12. Review status: criteria provided, single submitter. Criteria: ACMG Guidelines, 2015. Collection method: clinical testing. Allele origin: germline. Affected: yes. Observed: 5 variant alleles.

Genome-Nilou Lab
Classification: Pathogenic for Ichthyosis vulgaris. Last evaluated: 2023-04-11. Review status: criteria provided, single submitter. Criteria: ACMG Guidelines, 2015. Collection method: clinical testing. Allele origin: germline. Affected: no.

Mendelics
Classification: Pathogenic for Ichthyosis vulgaris. Last evaluated: 2022-05-04. Review status: criteria provided, single submitter. Criteria: Mendelics Assertion Criteria 2019. Collection method: clinical testing. Allele origin: germline.

Juno Genomics, Hangzhou Juno Genomics, Inc
Classification: Pathogenic for Dermatitis, atopic, 2; Ichthyosis vulgaris. Review status: criteria provided, single submitter. Criteria: ACMG Guidelines, 2015. Collection method: clinical testing. Allele origin: germline.
Comment: Absent from controls (or at extremely low frequency if recessive) in Genome Aggregation Database.;Null variant in a gene where loss of function (LOF) is a known mechanism of disease.;The prevalence of the variant in affected individuals is significantly increased compared to the prevalence in controls.;Patient's phenotype or family history is highly specific for a disease with a single genetic etiology.

Literature cited by the submitters: PubMed 23290076 (cited by Variantyx, Inc.).